The following is an entry in ClinVar:

NM_001184.4(ATR):c.6112G>A (p.Gly2038Arg)

Genes: ATR (ATR checkpoint kinase; minus strand), LOC126806830 (BRD4-independent group 4 enhancer GRCh37_chr3:142203676-142204875; plus strand). Cytogenetic location: 3q23.
Variant type: single nucleotide variant.
Coding change: c.6112G>A on transcript NM_001184.4 (MANE Select); coding-DNA position 6112, G replaced by A.
Protein change: p.Gly2038Arg; replaces glycine 2038 with arginine.
Molecular consequence: missense variant.
Genome position (GRCh38, 1-based): chr3:142,485,249, C>T on the plus strand (G>A on the coding strand, the complement: ATR is on the minus strand). VCF-style: chr3-142485249-C-T. GRCh37 (hg19) VCF-style: chr3-142204091-C-T.
Other names: c.5920G>A, p.Gly1974Arg (NM_001354579.2); short protein forms G1974R, G2038R.
Identifiers: ClinVar variation 3221242 (VCV003221242.1), dbSNP rs2108311491, ClinGen allele CA354809763.
Genomic context (GRCh38, chr3:142,485,249, plus strand): 5'-TTTTGTTGTCTGTGACCATGGGCATCAATTTGTCATAGTACTTGGCAAGGTAAAAATGCC[C>T]ATCCTCCCATTCTGGCAGGCACGCGGTCACATCCTATAAAAAAGAACATAGGATACCTAC-3'
Protein context (NP_001175.2, residues 2028-2048): VTACLPEWED[Gly2038Arg]HFYLAKYYDK

ClinVar aggregate classification (germline): Uncertain significance (1 of 4 stars; one submission).

Conditions:
Inborn genetic diseases. Identifiers: MedGen C0950123, MeSH D030342.

Submission:

Ambry Genetics
Classification: Uncertain significance for Inborn genetic diseases. Last evaluated: 2023-10-13. Review status: criteria provided, single submitter. Criteria: Ambry Variant Classification Scheme 2023. Collection method: clinical testing. Allele origin: germline.
Comment: The p.G2038R variant (also known as c.6112G>A), located in coding exon 36 of the ATR gene, results from a G to A substitution at nucleotide position 6112. The glycine at codon 2038 is replaced by arginine, an amino acid with dissimilar properties. This amino acid position is conserved. In addition, the in silico prediction for this alteration is inconclusive. Since supporting evidence is limited at this time, the clinical significance of this alteration remains unclear.